The following is an entry in ClinVar:

ClinVar aggregate classification (germline): Uncertain significance (1 of 4 stars; one submission).

Allele frequency attached by ClinVar (database versions not stated): gnomAD exomes below 0.00001; gnomAD 0.00001; TOPMed 0.00001.
gnomAD v4.1: 4 of 1,614,056 alleles (0.00025%); highest among the groups gnomAD compares: Non-Finnish European, 0.00034%; no homozygotes.

Submission:

Labcorp Genetics (formerly Invitae), Labcorp
Classification: Uncertain significance. Last evaluated: 2022-03-22. Review status: criteria provided, single submitter. Criteria: Invitae Variant Classification Sherloc (09022015). Collection method: clinical testing. Allele origin: germline.
Comment: In summary, the available evidence is currently insufficient to determine the role of this variant in disease. Therefore, it has been classified as a Variant of Uncertain Significance. Algorithms developed to predict the effect of sequence changes on RNA splicing suggest that this variant may create or strengthen a splice site. Algorithms developed to predict the effect of missense changes on protein structure and function are either unavailable or do not agree on the potential impact of this missense change (SIFT: "Tolerated"; PolyPhen-2: "Probably Damaging"; Align-GVGD: "Class C0"). This variant has not been reported in the literature in individuals affected with KCNJ6-related conditions. This variant is present in population databases (no rsID available, gnomAD 0.007%). This sequence change replaces arginine, which is basic and polar, with glutamine, which is neutral and polar, at codon 118 of the KCNJ6 protein (p.Arg118Gln).

NM_002240.5(KCNJ6):c.353G>A (p.Arg118Gln)

Genes: KCNJ6 (potassium inwardly rectifying channel subfamily J member 6; minus strand), KCNJ6-AS1 (KCNJ6 antisense RNA 1; plus strand). Cytogenetic location: 21q22.13.
Variant type: single nucleotide variant.
Coding change: c.353G>A on transcript NM_002240.5 (MANE Select); coding-DNA position 353, G replaced by A.
Protein change: p.Arg118Gln; replaces arginine 118 with glutamine.
Molecular consequence: missense variant.
Genome position (GRCh38, 1-based): chr21:37,714,804, C>T on the plus strand (G>A on the coding strand, the complement: KCNJ6 is on the minus strand). VCF-style: chr21-37714804-C-T. GRCh37 (hg19) VCF-style: chr21-39087107-C-T.
Other names: short protein forms R118Q.
Identifiers: ClinVar variation 1472725 (VCV001472725.6), dbSNP rs962612911, ClinGen allele CA320807586.